The following is an entry in ClinVar:

NM_001287.6(CLCN7):c.1442C>T (p.Pro481Leu)

Gene: CLCN7 (chloride voltage-gated channel 7; minus strand). Cytogenetic location: 16p13.3.
Variant type: single nucleotide variant.
Coding change: c.1442C>T on transcript NM_001287.6 (MANE Select); coding-DNA position 1442, C replaced by T.
Protein change: p.Pro481Leu; replaces proline 481 with leucine.
Molecular consequence: missense variant.
Genome position (GRCh38, 1-based): chr16:1,451,628, G>A on the plus strand (C>T on the coding strand, the complement: CLCN7 is on the minus strand). VCF-style: chr16-1451628-G-A. GRCh37 (hg19) VCF-style: chr16-1501629-G-A.
Other names: c.1370C>T, p.Pro457Leu (NM_001114331.3); short protein forms P481L, P457L.
Identifiers: ClinVar variation 1974718 (VCV001974718.5), dbSNP rs375552320, ClinGen allele CA7810261.

ClinVar aggregate classification (germline): Uncertain significance (1 of 4 stars; one submission).

Allele frequency attached by ClinVar (database versions not stated): gnomAD exomes 0.00001; ExAC 0.00002; TOPMed 0.00002; gnomAD 0.00003; ESP Exome Variant Server 0.00008.
gnomAD v4.1: 13 of 1,611,442 alleles (0.00081%); highest among the groups gnomAD compares: African/African-American, 0.0053%; no homozygotes.

Submission:

Labcorp Genetics (formerly Invitae), Labcorp
Classification: Uncertain significance. Last evaluated: 2022-03-27. Review status: criteria provided, single submitter. Criteria: Invitae Variant Classification Sherloc (09022015). Collection method: clinical testing. Allele origin: germline.
Comment: In summary, the available evidence is currently insufficient to determine the role of this variant in disease. Therefore, it has been classified as a Variant of Uncertain Significance. Algorithms developed to predict the effect of missense changes on protein structure and function are either unavailable or do not agree on the potential impact of this missense change (SIFT: "Deleterious"; PolyPhen-2: "Possibly Damaging"; Align-GVGD: "Class C0"). This variant has not been reported in the literature in individuals affected with CLCN7-related conditions. This variant is present in population databases (rs375552320, gnomAD 0.007%). This sequence change replaces proline, which is neutral and non-polar, with leucine, which is neutral and non-polar, at codon 481 of the CLCN7 protein (p.Pro481Leu).